The following is an entry in ClinVar:

ClinVar aggregate classification (germline): Uncertain significance (1 of 4 stars; one submission).

Allele frequency attached by ClinVar (database versions not stated): gnomAD exomes 0.00002; ESP Exome Variant Server 0.00008; ExAC 0.00014; TOPMed 0.00002.
gnomAD v4.1: 29 of 1,609,852 alleles (0.0018%); highest among the groups gnomAD compares: Admixed American, 0.032%; no homozygotes.

Submission:

Labcorp Genetics (formerly Invitae), Labcorp
Classification: Uncertain significance. Last evaluated: 2025-06-24. Review status: criteria provided, single submitter. Criteria: Invitae Variant Classification Sherloc (09022015). Collection method: clinical testing. Allele origin: germline.
Comment: This sequence change falls in intron 16 of the KAT6A gene. It does not directly change the encoded amino acid sequence of the KAT6A protein. It affects a nucleotide within the consensus splice site. This variant is present in population databases (rs377106453, gnomAD 0.04%), and has an allele count higher than expected for a pathogenic variant. This variant has not been reported in the literature in individuals affected with KAT6A-related conditions. ClinVar contains an entry for this variant (Variation ID: 2961518). Variants that disrupt the consensus splice site are a relatively common cause of aberrant splicing (PMID: 17576681, 9536098). Algorithms developed to predict the effect of sequence changes on RNA splicing suggest that this variant may disrupt the consensus splice site. In summary, the available evidence is currently insufficient to determine the role of this variant in disease. Therefore, it has been classified as a Variant of Uncertain Significance.

Literature cited by the submitters: PubMed 17576681; PubMed 9536098.

NM_006766.5(KAT6A):c.3352+3A>G

Gene: KAT6A (lysine acetyltransferase 6A; minus strand). Cytogenetic location: 8p11.21.
Variant type: single nucleotide variant.
Coding change: c.3352+3A>G on transcript NM_006766.5 (MANE Select); 3 bases into the intron after coding-DNA position 3352, A replaced by G.
Molecular consequence: intron variant.
Genome position (GRCh38, 1-based): chr8:41,937,253, T>C on the plus strand (A>G on the coding strand, the complement: KAT6A is on the minus strand). VCF-style: chr8-41937253-T-C. GRCh37 (hg19) VCF-style: chr8-41794771-T-C.
Identifiers: ClinVar variation 2961518 (VCV002961518.3), dbSNP rs377106453, ClinGen allele CA4729713.